The following is an entry in ClinVar:

NM_000350.3(ABCA4):c.2011G>A (p.Val671Met)

Gene: ABCA4 (ATP binding cassette subfamily A member 4; minus strand). Cytogenetic location: 1p22.1.
Variant type: single nucleotide variant.
Coding change: c.2011G>A on transcript NM_000350.3 (MANE Select); coding-DNA position 2011, G replaced by A.
Protein change: p.Val671Met; replaces valine 671 with methionine.
Molecular consequence: missense variant.
Genome position (GRCh38, 1-based): chr1:94,060,686, C>T on the plus strand (G>A on the coding strand, the complement: ABCA4 is on the minus strand). VCF-style: chr1-94060686-C-T. GRCh37 (hg19) VCF-style: chr1-94526242-C-T.
Other names: c.2011G>A, p.Val671Met (NM_001425324.1); short protein forms V671M.
Identifiers: ClinVar variation 2120007 (VCV002120007.4), dbSNP rs1661098553, ClinGen allele CA341278736.

ClinVar aggregate classification (germline): Uncertain significance (1 of 4 stars; one submission).

Allele frequency attached by ClinVar (database versions not stated): gnomAD 0.00001.
gnomAD v4.1: 1 of 1,614,034 alleles (0.000062%); highest among the groups gnomAD compares: African/African-American, 0.0013%; no homozygotes.

Submission:

Labcorp Genetics (formerly Invitae), Labcorp
Classification: Uncertain significance. Last evaluated: 2022-08-16. Review status: criteria provided, single submitter. Criteria: Invitae Variant Classification Sherloc (09022015). Collection method: clinical testing. Allele origin: germline.
Comment: In summary, the available evidence is currently insufficient to determine the role of this variant in disease. Therefore, it has been classified as a Variant of Uncertain Significance. Advanced modeling of protein sequence and biophysical properties (such as structural, functional, and spatial information, amino acid conservation, physicochemical variation, residue mobility, and thermodynamic stability) performed at Invitae indicates that this missense variant is expected to disrupt ABCA4 protein function. This variant has not been reported in the literature in individuals affected with ABCA4-related conditions. This variant is not present in population databases (gnomAD no frequency). This sequence change replaces valine, which is neutral and non-polar, with methionine, which is neutral and non-polar, at codon 671 of the ABCA4 protein (p.Val671Met).